The following is an entry in ClinVar:

NM_182961.4(SYNE1):c.4477A>G (p.Ile1493Val)

Gene: SYNE1 (spectrin repeat containing nuclear envelope protein 1; minus strand). Cytogenetic location: 6q25.2.
Variant type: single nucleotide variant.
Coding change: c.4477A>G on transcript NM_182961.4 (MANE Select); coding-DNA position 4477, A replaced by G.
Protein change: p.Ile1493Val; replaces isoleucine 1493 with valine.
Molecular consequence: missense variant.
Genome position (GRCh38, 1-based): chr6:152,430,694, T>C on the plus strand (A>G on the coding strand, the complement: SYNE1 is on the minus strand). VCF-style: chr6-152430694-T-C. GRCh37 (hg19) VCF-style: chr6-152751829-T-C.
Other names: c.4498A>G, p.Ile1500Val (NM_033071.5); c.4477A>G (NM_182961.2); short protein forms I1493V, I1500V.
Identifiers: ClinVar variation 283661 (VCV000283661.53), dbSNP rs139544072, ClinGen allele CA4058540.
Genomic context (GRCh38, chr6:152,430,694, plus strand): 5'-ACTGAGCAAAAGACTGGGCTTCTTCTTCTAATCCTACAATGCTGCTGAGCTTACTTTCTA[T>C]TTCCTGAATTGTGACCTAATAGTTAAAACAAGAAAAATGACAATGTAGGCTGAGCAAGCT-3'
Protein context (NP_892006.3, residues 1483-1503): ISQIKVTIQE[Ile1493Val]ESKLSSIVGL

ClinVar aggregate classification (germline): Conflicting classifications of pathogenicity. Review status: criteria provided, conflicting classifications (1 of 4 stars). 5 submissions from 5 submitters: Uncertain significance (4); Likely benign (1). Last evaluated 2024-07-11.

Conditions:
Autosomal recessive ataxia, Beauce type. Also called: ATAXIA, RECESSIVE, OF BEAUCE; Spinocerebellar ataxia, autosomal recessive 8; SYNE1-Related Autosomal Recessive Cerebellar Ataxia; SYNE1 Deficiency. Identifiers: Orphanet 88644, MedGen C1853116, MONDO:0012549, OMIM 610743.
Emery-Dreifuss muscular dystrophy 4, autosomal dominant (EDMD4). Also called: EMERY-DREIFUSS MUSCULAR DYSTROPHY 4 WITH VARIABLE FEATURES. Identifiers: Orphanet 261, MedGen C2751807, MONDO:0013071, OMIM 612998.

Allele frequency attached by ClinVar (database versions not stated): ESP Exome Variant Server 0.00008; gnomAD exomes 0.00017 and 0.00021; TOPMed 0.00017; gnomAD 0.00021; ExAC 0.00025; 1000 Genomes Project 30x 0.00031; 1000 Genomes Project 0.00040.
gnomAD v4.1: 283 of 1,614,052 alleles (0.018%); highest among the groups gnomAD compares: Admixed American, 0.062%; 1 homozygote.

Submissions (5):

Revvity Omics, Revvity
Classification: Likely benign. Last evaluated: 2024-07-11. Review status: criteria provided, single submitter. Criteria: ACMG Guidelines, 2015. Collection method: clinical testing. Allele origin: germline.

Athena Diagnostics
Classification: Uncertain significance. Last evaluated: 2024-04-15. Review status: criteria provided, single submitter. Criteria: Athena Diagnostics Criteria. Collection method: clinical testing. Allele origin: unknown.
Comment: Available data are insufficient to determine the clinical significance of the variant at this time. The frequency of this variant in the general population is higher than would generally be expected for pathogenic variants in this gene. Computational tools predict that this variant is not damaging.

Labcorp Genetics (formerly Invitae), Labcorp
Classification: Uncertain significance for Emery-Dreifuss muscular dystrophy 4, autosomal dominant; Autosomal recessive ataxia, Beauce type. Last evaluated: 2022-08-22. Review status: criteria provided, single submitter. Criteria: Invitae Variant Classification Sherloc (09022015). Collection method: clinical testing. Allele origin: germline.
Comment: This sequence change replaces isoleucine, which is neutral and non-polar, with valine, which is neutral and non-polar, at codon 1500 of the SYNE1 protein (p.Ile1500Val). This variant is present in population databases (rs139544072, gnomAD 0.06%). This variant has not been reported in the literature in individuals affected with SYNE1-related conditions. ClinVar contains an entry for this variant (Variation ID: 283661). Algorithms developed to predict the effect of missense changes on protein structure and function are either unavailable or do not agree on the potential impact of this missense change (SIFT: "Deleterious"; PolyPhen-2: "Possibly Damaging"; Align-GVGD: "Class C0"). In summary, the available evidence is currently insufficient to determine the role of this variant in disease. Therefore, it has been classified as a Variant of Uncertain Significance.

CeGaT Center for Human Genetics Tuebingen
Classification: Uncertain significance. Last evaluated: 2019-12-01. Review status: criteria provided, single submitter. Criteria: CeGaT Center For Human Genetics Tuebingen Variant Classification Criteria Version 2. Collection method: clinical testing. Allele origin: germline. Affected: yes. Observed: 1 variant allele.

Eurofins Ntd Llc (ga)
Classification: Uncertain significance. Last evaluated: 2015-09-25. Review status: criteria provided, single submitter. Criteria: EGL Classification Definitions 2015. Collection method: clinical testing. Allele origin: germline. Observed: 1 variant allele, 1 heterozygote.

Literature cited by the submitters: PubMed 32420686 (cited by Athena Diagnostics).